The following is an entry in ClinVar:

NM_173689.7(CRB2):c.2955_2963del (p.Arg987_Leu989del)

Gene: CRB2 (crumbs cell polarity complex component 2; plus strand). Cytogenetic location: 9q33.3.
Variant type: Deletion.
Coding change: c.2955_2963del on transcript NM_173689.7 (MANE Select); coding-DNA positions 2955 to 2963, 9 bases deleted (GCTGCGCGG; older notation c.2955_2963delGCTGCGCGG).
Protein change: p.Arg987_Leu989del.
Molecular consequence: non-coding transcript variant (on NR_104603.2).
Genome position (GRCh38, 1-based): chr9:123,373,486-123,373,494, GCTGCGCGG deleted. VCF-style (leftmost placement, unchanged base first): chr9-123373485-CGCTGCGCGG-C. GRCh37 (hg19) VCF-style: chr9-126135764-CGCTGCGCGG-C.
Identifiers: ClinVar variation 3777451 (VCV003777451.1).

ClinVar aggregate classification (germline): Uncertain significance (1 of 4 stars; one submission).

Submission:

GeneDx
Classification: Uncertain significance. Last evaluated: 2024-10-09. Review status: criteria provided, single submitter. Criteria: GeneDx Variant Classification Process June 2021. Collection method: clinical testing. Allele origin: germline. Affected: yes.
Comment: Not observed at significant frequency in large population cohorts (gnomAD); In-frame deletion of 3 amino acid(s) in a non-repeat region; In silico analysis indicates that this variant does not alter protein structure/function; Has not been previously published as pathogenic or benign to our knowledge